The following is an entry in ClinVar:

ClinVar aggregate classification (germline): Benign (1 of 4 stars; one submission).

Conditions:
Leigh syndrome (NULS). Also called: Leigh's necrotizing encephalopathy; Leigh's disease; Leigh Syndrome (mtDNA deletion); Leigh Disease; Subacute necrotizing encephalopathy; Necrotizing encephalopathy infantile subacute of Leigh. Identifiers: Orphanet 506, MedGen C2931891, MONDO:0009723, OMIM 256000.

Submission:

Wong Mito Lab, Molecular and Human Genetics, Baylor College of Medicine
Classification: Benign for Leigh syndrome. Last evaluated: 2019-10-17. Review status: criteria provided, single submitter. Criteria: Modified ACMG Guidelines (Unpublished). Collection method: clinical testing. Allele origin: germline.
Comment: The NC_012920.1:m.9115A>G (YP_003024031.1:p.Ile197Val) variant in MTATP6 gene is interpretated to be a Benign variant based on the modified ACMG guidelines (unpublished). This variant meets the following evidence codes: BS1, BS2, BP4

NC_012920.1(MT-ATP6):m.9115A>G

Gene: MT-ATP6 (mitochondrially encoded ATP synthase 6; plus strand).
Variant type: single nucleotide variant.
Genome position: chrM-9115-A-G.
Identifiers: ClinVar variation 693097 (VCV000693097.1), dbSNP rs1603222091, ClinGen allele CA414802243.
Genomic context (GRCh38, chrMT:9,115, plus strand): 5'-GCCACCCTAGCAATATCAACCATTAACCTTCCCTCTACACTTATCATCTTCACAATTCTA[A>G]TTCTACTGACTATCCTAGAAATCGCTGTCGCCTTAATCCAAGCCTACGTTTTCACACTTC-3'